The following is an entry in ClinVar:

ClinVar aggregate classification (germline): Uncertain significance. Review status: criteria provided, multiple submitters, no conflicts (2 of 4 stars). 2 submissions from 2 submitters: Uncertain significance (2). Last evaluated 2024-12-14.

Conditions:
Developmental and epileptic encephalopathy, 23 (DEE23). Also called: Epileptic encephalopathy, early infantile, 23. Identifiers: Orphanet 411986, MedGen C4014492, MONDO:0014371, OMIM 615859.
Inborn genetic diseases. Identifiers: MedGen C0950123, MeSH D030342.

Allele frequency attached by ClinVar (database versions not stated): ExAC 0.00003; gnomAD 0.00003 and 0.00004; gnomAD exomes 0.00003 and 0.00008; TOPMed 0.00005; ESP Exome Variant Server 0.00031.
gnomAD v4.1: 119 of 1,612,872 alleles (0.0074%); highest among the groups gnomAD compares: Non-Finnish European, 0.0098%; no homozygotes.

Submissions (2):

Ambry Genetics
Classification: Uncertain significance for Inborn genetic diseases. Last evaluated: 2024-12-14. Review status: criteria provided, single submitter. Criteria: Ambry Variant Classification Scheme 2023. Collection method: clinical testing. Allele origin: germline.

Labcorp Genetics (formerly Invitae), Labcorp
Classification: Uncertain significance for Developmental and epileptic encephalopathy, 23. Last evaluated: 2024-10-15. Review status: criteria provided, single submitter. Criteria: Invitae Variant Classification Sherloc (09022015). Collection method: clinical testing. Allele origin: germline.
Comment: This sequence change replaces lysine, which is basic and polar, with glutamic acid, which is acidic and polar, at codon 586 of the DOCK7 protein (p.Lys586Glu). This variant is present in population databases (rs150120215, gnomAD 0.01%). This variant has not been reported in the literature in individuals affected with DOCK7-related conditions. ClinVar contains an entry for this variant (Variation ID: 475130). Invitae Evidence Modeling of protein sequence and biophysical properties (such as structural, functional, and spatial information, amino acid conservation, physicochemical variation, residue mobility, and thermodynamic stability) indicates that this missense variant is expected to disrupt DOCK7 protein function with a positive predictive value of 80%. In summary, the available evidence is currently insufficient to determine the role of this variant in disease. Therefore, it has been classified as a Variant of Uncertain Significance.

NM_001367561.1(DOCK7):c.1756A>G (p.Lys586Glu)

Gene: DOCK7 (dedicator of cytokinesis 7; minus strand). Cytogenetic location: 1p31.3.
Variant type: single nucleotide variant.
Coding change: c.1756A>G on transcript NM_001367561.1 (MANE Select); coding-DNA position 1756, A replaced by G.
Protein change: p.Lys586Glu; replaces lysine 586 with glutamic acid.
Molecular consequence: missense variant.
Genome position (GRCh38, 1-based): chr1:62,586,551, T>C on the plus strand (A>G on the coding strand, the complement: DOCK7 is on the minus strand). VCF-style: chr1-62586551-T-C. GRCh37 (hg19) VCF-style: chr1-63052222-T-C.
Other names: c.1756A>G, p.Lys586Glu (NM_001271999.2, NM_001272000.2, NM_001272001.2 and 3 more transcripts); c.1756A>G (NM_033407.2); short protein forms K586E.
Identifiers: ClinVar variation 475130 (VCV000475130.8), dbSNP rs150120215, ClinGen allele CA886467.
Genomic context (GRCh38, chr1:62,586,551, plus strand): 5'-AAAGAACATTTCTTACCGGCATGGCATTGCTTGGATCCTCTCCATACATAAACTGGACTT[T>C]CACTGTTATATTTCTAGCAGAACCTTGACGATTGGCAAAATTAAGACTCTGAGGGTATAT-3'
Protein context (NP_001354490.1, residues 576-596): RQGSARNITV[Lys586Glu]VQFMYGEDPS